The following is an entry in ClinVar:

ClinVar aggregate classification (germline): Conflicting classifications of pathogenicity. Review status: criteria provided, conflicting classifications (1 of 4 stars). 2 submissions from 2 submitters: Uncertain significance (1); Likely benign (1). Last evaluated 2025-12-23.

Conditions:
SNRNP200-related disorder. Also called: SNRNP200-related condition.

Allele frequency attached by ClinVar (database versions not stated): gnomAD exomes 0.00001; TOPMed 0.00001; ExAC 0.00002.
gnomAD v4.1: 6 of 1,614,182 alleles (0.00037%); highest among the groups gnomAD compares: Admixed American, 0.01%; no homozygotes.

Submissions (2):

Labcorp Genetics (formerly Invitae), Labcorp
Classification: Likely benign. Last evaluated: 2025-12-23. Review status: criteria provided, single submitter. Criteria: Invitae Variant Classification Sherloc (09022015). Collection method: clinical testing. Allele origin: germline.

PreventionGenetics, part of Exact Sciences
Classification: Uncertain significance for SNRNP200-related condition. Last evaluated: 2025-08-18. Review status: criteria provided, single submitter. Criteria: ACMG Guidelines, 2015. Collection method: clinical testing. Allele origin: germline.
Comment: The SNRNP200 c.2699T>C variant is predicted to result in the amino acid substitution p.Met900Thr. To our knowledge, this variant has not been reported in the literature. This variant is reported in 0.014% of alleles in individuals of Latino descent in gnomAD. At this time, the clinical significance of this variant is uncertain due to the absence of conclusive functional and genetic evidence.

NM_014014.5(SNRNP200):c.2699T>C (p.Met900Thr)

Gene: SNRNP200 (small nuclear ribonucleoprotein U5 subunit 200; minus strand). Cytogenetic location: 2q11.2.
Variant type: single nucleotide variant.
Coding change: c.2699T>C on transcript NM_014014.5 (MANE Select); coding-DNA position 2699, T replaced by C.
Protein change: p.Met900Thr; replaces methionine 900 with threonine.
Molecular consequence: missense variant.
Genome position (GRCh38, 1-based): chr2:96,290,369, A>G on the plus strand (T>C on the coding strand, the complement: SNRNP200 is on the minus strand). VCF-style: chr2-96290369-A-G. GRCh37 (hg19) VCF-style: chr2-96956107-A-G.
Other names: c.2699T>C (NM_014014.4); short protein forms M900T.
Identifiers: ClinVar variation 1924829 (VCV001924829.6), dbSNP rs762706584, ClinGen allele CA1778648.
Genomic context (GRCh38, chr2:96,290,369, plus strand): 5'-AAGCAGTCCTCCCCTACCTTGGCATTCTGGACATTTCCTAGCACGATTTCTGCATTGAGC[A>G]TGTCAGGAAGCTTTGAAACCATCTGGCTTTCAATAGGAAGTTGTTGATTGAGGAGGGACA-3'
Protein context (NP_054733.2, residues 890-910): ESQMVSKLPD[Met900Thr]LNAEIVLGNV